The following is an entry in ClinVar:

ClinVar aggregate classification (germline): Uncertain significance (1 of 4 stars; one submission).

Conditions:
CHARGE syndrome (CHARGE). Also called: Hittner Hirsch Kreh syndrome; CHARGE ASSOCIATION--COLOBOMA, HEART ANOMALY, CHOANAL ATRESIA, RETARDATION, GENITAL AND EAR ANOMALIES; Coloboma, heart anomaly, choanal atresia, retardation, genital and ear anomalies; CHARGE association; Hall-Hittner syndrome. Identifiers: Orphanet 138, MedGen C0265354, MONDO:0008965.

gnomAD v4.1: 2 of 1,613,946 alleles (0.00012%); highest among the groups gnomAD compares: Non-Finnish European, 0.00017%; no homozygotes.

Submission:

Labcorp Genetics (formerly Invitae), Labcorp
Classification: Uncertain significance for CHARGE syndrome. Last evaluated: 2025-09-17. Review status: criteria provided, single submitter. Criteria: Invitae Variant Classification Sherloc (09022015). Collection method: clinical testing. Allele origin: germline.
Comment: This sequence change replaces proline, which is neutral and non-polar, with glutamine, which is neutral and polar, at codon 101 of the CHD7 protein (p.Pro101Gln). This variant is not present in population databases (gnomAD no frequency). This variant has not been reported in the literature in individuals affected with CHD7-related conditions. Invitae Evidence Modeling of protein sequence and biophysical properties (such as structural, functional, and spatial information, amino acid conservation, physicochemical variation, residue mobility, and thermodynamic stability) indicates that this missense variant is not expected to disrupt CHD7 protein function with a negative predictive value of 95%. In summary, the available evidence is currently insufficient to determine the role of this variant in disease. Therefore, it has been classified as a Variant of Uncertain Significance.

NM_017780.4(CHD7):c.302C>A (p.Pro101Gln)

Gene: CHD7 (chromodomain helicase DNA binding protein 7; plus strand). Cytogenetic location: 8q12.2.
Variant type: single nucleotide variant.
Coding change: c.302C>A on transcript NM_017780.4 (MANE Select); coding-DNA position 302, C replaced by A.
Protein change: p.Pro101Gln; replaces proline 101 with glutamine.
Molecular consequence: missense variant.
Genome position (GRCh38, 1-based): chr8:60,741,734, C>A. VCF-style: chr8-60741734-C-A. GRCh37 (hg19) VCF-style: chr8-61654293-C-A.
Other names: c.302C>A, p.Pro101Gln (NM_001316690.1); short protein forms P101Q.
Identifiers: ClinVar variation 4763488 (VCV004763488.1).